The following is an entry in ClinVar:

NM_015443.4(KANSL1):c.699dup (p.Val234fs)

Gene: KANSL1 (KAT8 regulatory NSL complex subunit 1). Cytogenetic location: 17q21.31.
Variant type: Duplication.
Coding change: c.699dup on transcript NM_015443.4 (MANE Select); coding-DNA position 699, one base duplicated.
Protein change: p.Val234fs; shifts the reading frame from valine 234.
Molecular consequence: frameshift variant.
Genome position: GRCh38 VCF-style: chr17-46171444-C-CA. GRCh37 (hg19) VCF-style: chr17-44248810-C-CA.
Other names: c.699dup, p.Val234fs (NM_001193465.2, NM_001193466.2, NM_001379198.1); short protein forms V234fs.
Identifiers: ClinVar variation 1208235 (VCV001208235.3), dbSNP rs2147741933, ClinGen allele CA2499224671.

ClinVar aggregate classification (germline): Pathogenic (1 of 4 stars; one submission).

Submission:

GeneDx
Classification: Pathogenic. Last evaluated: 2019-10-04. Review status: criteria provided, single submitter. Criteria: GeneDx Variant Classification Process June 2021. Collection method: clinical testing. Allele origin: germline. Affected: yes.
Comment: Frameshift variant predicted to result in protein truncation or nonsense mediated decay in a gene for which loss-of-function is a known mechanism of disease; Not observed in large population cohorts (Lek et al., 2016); Has not been previously published as pathogenic or benign to our knowledge